The following is an entry in ClinVar:

NM_198859.4(PRICKLE2):c.380del (p.Gly127fs)

Gene: PRICKLE2 (prickle planar cell polarity protein 2; minus strand). Cytogenetic location: 3p14.1.
Variant type: Deletion.
Coding change: c.380del on transcript NM_198859.4 (MANE Select); coding-DNA position 380, one base deleted (G; older notation c.380delG).
Protein change: p.Gly127fs; shifts the reading frame from glycine 127.
Molecular consequence: frameshift variant.
Genome position (GRCh38, 1-based): chr3:64,159,956, C deleted on the plus strand (G on the coding strand, the reverse complement: PRICKLE2 is on the minus strand); the first of 2 consecutive C bases (chr3:64,159,956-64,159,957); deleting either gives the same sequence. VCF-style (leftmost placement, unchanged base first): chr3-64159955-TC-T. GRCh37 (hg19) VCF-style: chr3-64145631-TC-T.
Other names: c.380del, p.Gly127fs (NM_001370528.1); short protein forms G127fs.
Identifiers: ClinVar variation 209186 (VCV000209186.2), dbSNP rs797045065, ClinGen allele CA250391.

ClinVar aggregate classification (germline): Pathogenic (1 of 4 stars; one submission).

Conditions:
Progressive myoclonic epilepsy type 5. Identifiers: Orphanet 402082, MedGen C5190799.

Submission:

Baylor Genetics
Classification: Pathogenic for Epilepsy, progressive myoclonic 5. Last evaluated: 2013-05-16. Review status: criteria provided, single submitter. Criteria: Yang et al. 2013. Collection method: clinical testing. Allele origin: de novo. Inheritance: Autosomal dominant inheritance. Affected: yes. Observed: 1 variant allele, 1 heterozygote. Study: Adult_WES.

Literature cited by the submitters: PubMed 26633545.